The following is an entry in ClinVar:

ClinVar aggregate classification (germline): Conflicting classifications of pathogenicity. Review status: criteria provided, conflicting classifications (1 of 4 stars). 2 submissions from 2 submitters: Uncertain significance (1); Likely benign (1). Last evaluated 2026-05-08.

Conditions:
Inborn genetic diseases. Identifiers: MedGen C0950123, MeSH D030342.
MAP1B-related disorder. Also called: MAP1B-related condition.

Allele frequency attached by ClinVar (database versions not stated): gnomAD exomes 0.00001; TOPMed 0.00003; ExAC 0.00006.
gnomAD v4.1: 23 of 1,614,208 alleles (0.0014%); highest among the groups gnomAD compares: Admixed American, 0.033%; no homozygotes.

Submissions (2):

PreventionGenetics, part of Exact Sciences
Classification: Likely benign for MAP1B-related condition. Last evaluated: 2026-05-08. Review status: criteria provided, single submitter. Criteria: ACMG Guidelines, 2015. Collection method: clinical testing. Allele origin: germline.
Comment: This variant is classified as likely benign based on ACMG/AMP sequence variant interpretation guidelines (Richards et al. 2015 PMID: 25741868, with internal and published modifications).

Ambry Genetics
Classification: Uncertain significance for Inborn genetic diseases. Last evaluated: 2021-06-22. Review status: criteria provided, single submitter. Criteria: Ambry Variant Classification Scheme 2023. Collection method: clinical testing. Allele origin: germline.

NM_005909.5(MAP1B):c.5386T>C (p.Tyr1796His)

Gene: MAP1B (microtubule associated protein 1B; plus strand). Cytogenetic location: 5q13.2.
Variant type: single nucleotide variant.
Coding change: c.5386T>C on transcript NM_005909.5 (MANE Select); coding-DNA position 5386, T replaced by C.
Protein change: p.Tyr1796His; replaces tyrosine 1796 with histidine.
Molecular consequence: missense variant.
Genome position (GRCh38, 1-based): chr5:72,198,741, T>C. VCF-style: chr5-72198741-T-C. GRCh37 (hg19) VCF-style: chr5-71494568-T-C.
Other names: c.5008T>C, p.Tyr1670His (NM_001324255.2); c.5386T>C (NM_005909.4); short protein forms Y1670H, Y1796H.
Identifiers: ClinVar variation 3122715 (VCV003122715.2), dbSNP rs775654536, ClinGen allele CA3299314.